The following is an entry in ClinVar:

ClinVar aggregate classification (germline): Pathogenic (1 of 4 stars; one submission).

Conditions:
Catecholaminergic polymorphic ventricular tachycardia 1. Also called: RYR2-Related Catecholaminergic Polymorphic Ventricular Tachycardia; VENTRICULAR TACHYCARDIA, STRESS-INDUCED POLYMORPHIC 1; VENTRICULAR TACHYCARDIA, CATECHOLAMINERGIC POLYMORPHIC, 1, WITH OR WITHOUT ATRIAL DYSFUNCTION AND/OR DILATED CARDIOMYOPATHY. Identifiers: Orphanet 3286, MedGen C1631597, MONDO:0011484, OMIM 604772.

Submission:

Labcorp Genetics (formerly Invitae), Labcorp
Classification: Pathogenic for Catecholaminergic polymorphic ventricular tachycardia 1. Last evaluated: 2023-10-25. Review status: criteria provided, single submitter. Criteria: Invitae Variant Classification Sherloc (09022015). Collection method: clinical testing. Allele origin: germline.
Comment: This sequence change creates a premature translational stop signal (p.Leu252Cysfs*14) in the CASQ2 gene. It is expected to result in an absent or disrupted protein product. Loss-of-function variants in CASQ2 are known to be pathogenic (PMID: 12386154). This variant is not present in population databases (gnomAD no frequency). This variant has not been reported in the literature in individuals affected with CASQ2-related conditions. For these reasons, this variant has been classified as Pathogenic.

Literature cited by the submitters: PubMed 12386154.

NM_001232.4(CASQ2):c.754del (p.Leu252fs)

Gene: CASQ2 (calsequestrin 2; minus strand). Cytogenetic location: 1p13.1.
Variant type: Deletion.
Coding change: c.754del on transcript NM_001232.4 (MANE Select); coding-DNA position 754, one base deleted (C; older notation c.754delC).
Protein change: p.Leu252fs; shifts the reading frame from leucine 252.
Molecular consequence: frameshift variant.
Genome position (GRCh38, 1-based): chr1:115,725,537, G deleted on the plus strand (C on the coding strand, the reverse complement: CASQ2 is on the minus strand); the first of 2 consecutive G bases (chr1:115,725,537-115,725,538); deleting either gives the same sequence. VCF-style (leftmost placement, unchanged base first): chr1-115725536-AG-A. GRCh37 (hg19) VCF-style: chr1-116268157-AG-A.
Other names: short protein forms L252fs.
Identifiers: ClinVar variation 2770074 (VCV002770074.3), dbSNP rs2464889182, ClinGen allele CA2697554473.